The following is an entry in ClinVar:

NM_002913.5(RFC1):c.209-6A>T

Gene: RFC1 (replication factor C subunit 1; minus strand). Cytogenetic location: 4p14.
Variant type: single nucleotide variant.
Coding change: c.209-6A>T on transcript NM_002913.5 (MANE Select); 6 bases into the intron before coding-DNA position 209, A replaced by T.
Molecular consequence: intron variant.
Genome position (GRCh38, 1-based): chr4:39,342,473, T>A on the plus strand (A>T on the coding strand, the complement: RFC1 is on the minus strand). VCF-style: chr4-39342473-T-A. GRCh37 (hg19) VCF-style: chr4-39344093-T-A.
Other names: NC_000004.11:g.39344093T>A; c.209-6A>T (NM_001363495.2, NM_001363496.2, NM_001204747.2).
Identifiers: ClinVar variation 3053750 (VCV003053750.3), dbSNP rs199870202, ClinGen allele CA2893473.

ClinVar aggregate classification (germline): Benign (0 of 4 stars; one submission).

Conditions:
RFC1-related disorder. Also called: RFC1-Related Disorders; RFC1-related condition. Identifiers: MedGen CN382339.

Allele frequency attached by ClinVar (database versions not stated): 1000 Genomes Project 0.00100; ExAC 0.00100; 1000 Genomes Project 30x 0.00125; gnomAD 0.00255; TOPMed 0.00322; ESP Exome Variant Server 0.00331.
gnomAD v4.1: 702 of 1,610,204 alleles (0.044%); highest among the groups gnomAD compares: African/African-American, 0.87%; 5 homozygotes.

Submissions (3):

PreventionGenetics, part of Exact Sciences
Classification: Benign for RFC1-related condition. Last evaluated: 2020-01-06. Review status: no assertion criteria provided. Collection method: clinical testing. Allele origin: germline.
Comment: This variant is classified as benign based on ACMG/AMP sequence variant interpretation guidelines (Richards et al. 2015 PMID: 25741868, with internal and published modifications).

Dr. Peter K. Rogan Lab, Western University
No classification provided (evidence only). Condition: Uterine corpus endometrial carcinoma. Review status: no classification provided. Collection method: in vitro. Allele origin: not applicable. Functional consequence: retained intron. Not counted in ClinVar's aggregate classification.

Dr. Peter K. Rogan Lab, Western University
No classification provided (evidence only). Condition: Ovarian serous cystadenocarcinoma. Review status: no classification provided. Collection method: in vitro. Allele origin: not applicable. Functional consequence: retained intron. Not counted in ClinVar's aggregate classification.